The following is an entry in ClinVar:

ClinVar aggregate classification (germline): Conflicting classifications of pathogenicity. Review status: criteria provided, conflicting classifications (1 of 4 stars). 5 submissions from 4 submitters: Uncertain significance (4); Likely benign (1). Last evaluated 2025-02-27.

Conditions:
Hereditary spherocytosis type 1. Also called: Spherocytosis type 1; ANK1-Related Spherocytosis. Identifiers: Orphanet 822, MedGen C2674218, MONDO:0008447, OMIM 182900.
Spherocytosis. Identifiers: MedGen C0553720, HP:0004444.

Allele frequency attached by ClinVar (database versions not stated): ESP Exome Variant Server 0.00008; gnomAD exomes 0.00008 and 0.00010; ExAC 0.00012; TOPMed 0.00015; gnomAD 0.00017 and 0.00020.

Submissions (5):

ARUP Laboratories, Molecular Genetics and Genomics, ARUP Laboratories
Classification: Likely benign for Hereditary spherocytosis type 1. Last evaluated: 2025-02-27. Review status: criteria provided, single submitter. Criteria: ARUP Molecular Germline Variant Investigation Process 2024. Collection method: clinical testing. Allele origin: germline.

Labcorp Genetics (formerly Invitae), Labcorp
Classification: Uncertain significance. Last evaluated: 2024-11-21. Review status: criteria provided, single submitter. Criteria: Invitae Variant Classification Sherloc (09022015). Collection method: clinical testing. Allele origin: germline.
Comment: This sequence change replaces arginine, which is basic and polar, with glutamine, which is neutral and polar, at codon 699 of the ANK1 protein (p.Arg699Gln). This variant is present in population databases (rs150032875, gnomAD 0.02%). This variant has not been reported in the literature in individuals affected with ANK1-related conditions. ClinVar contains an entry for this variant (Variation ID: 363021). An algorithm developed to predict the effect of missense changes on protein structure and function (PolyPhen-2) suggests that this variant is likely to be disruptive. In summary, the available evidence is currently insufficient to determine the role of this variant in disease. Therefore, it has been classified as a Variant of Uncertain Significance.

Revvity Omics, Revvity
Classification: Uncertain significance for Hereditary spherocytosis type 1. Last evaluated: 2024-08-08. Review status: criteria provided, single submitter. Criteria: ACMG Guidelines, 2015. Collection method: clinical testing. Allele origin: germline.

Illumina Laboratory Services, Illumina
Classification: Uncertain significance for Hereditary spherocytosis type 1. Last evaluated: 2018-01-12. Review status: criteria provided, single submitter. Criteria: ICSL Variant Classification Criteria 13 December 2019. Collection method: clinical testing. Allele origin: germline.

Illumina Laboratory Services, Illumina
Classification: Uncertain significance for Spherocytosis. Last evaluated: 2018-01-12. Review status: criteria provided, single submitter. Criteria: ICSL Variant Classification Criteria 13 December 2019. Collection method: clinical testing. Allele origin: germline.

NM_000037.4(ANK1):c.2096G>A (p.Arg699Gln)

Gene: ANK1 (ankyrin 1; minus strand). Cytogenetic location: 8p11.21.
Variant type: single nucleotide variant.
Coding change: c.2096G>A on transcript NM_000037.4 (MANE Select); coding-DNA position 2096, G replaced by A.
Protein change: p.Arg699Gln; replaces arginine 699 with glutamine.
Molecular consequence: missense variant.
Genome position (GRCh38, 1-based): chr8:41,706,144, C>T on the plus strand (G>A on the coding strand, the complement: ANK1 is on the minus strand). VCF-style: chr8-41706144-C-T. GRCh37 (hg19) VCF-style: chr8-41563662-C-T.
Other names: c.2195G>A, p.Arg732Gln (NM_001142446.2); c.2096G>A, p.Arg699Gln (NM_020475.3, NM_020476.3, NM_020477.3); short protein forms R732Q, R699Q.
Identifiers: ClinVar variation 363021 (VCV000363021.9), dbSNP rs150032875, ClinGen allele CA4728371.